The following is an entry in ClinVar:

ClinVar aggregate classification (germline): Uncertain significance (1 of 4 stars; one submission).

Conditions:
Gastrointestinal stromal tumor. Also called: Gastrointestinal stromal tumor, somatic; Gastrointestinal stroma tumor. Identifiers: Orphanet 44890, MedGen C0238198, MeSH D046152, MONDO:0011719, OMIM 606764, HP:0100723.

Submission:

Labcorp Genetics (formerly Invitae), Labcorp
Classification: Uncertain significance for Gastrointestinal stromal tumor. Last evaluated: 2025-05-23. Review status: criteria provided, single submitter. Criteria: Invitae Variant Classification Sherloc (09022015). Collection method: clinical testing. Allele origin: germline.
Comment: This sequence change replaces alanine, which is neutral and non-polar, with aspartic acid, which is acidic and polar, at codon 659 of the KIT protein (p.Ala659Asp). This variant is not present in population databases (gnomAD no frequency). This missense change has been observed in individual(s) with piebaldism (internal data). It has also been observed to segregate with disease in related individuals. An algorithm developed to predict the effect of missense changes on protein structure and function (PolyPhen-2) suggests that this variant is likely to be disruptive. In summary, the available evidence is currently insufficient to determine the role of this variant in disease. Therefore, it has been classified as a Variant of Uncertain Significance.

NM_000222.3(KIT):c.1976C>A (p.Ala659Asp)

Gene: KIT (KIT proto-oncogene, receptor tyrosine kinase; plus strand). Cytogenetic location: 4q12.
Variant type: single nucleotide variant.
Coding change: c.1976C>A on transcript NM_000222.3 (MANE Select); coding-DNA position 1976, C replaced by A.
Protein change: p.Ala659Asp; replaces alanine 659 with aspartic acid.
Molecular consequence: missense variant.
Genome position (GRCh38, 1-based): chr4:54,728,107, C>A. VCF-style: chr4-54728107-C-A. GRCh37 (hg19) VCF-style: chr4-55594273-C-A.
Other names: c.1979C>A, p.Ala660Asp (NM_001385284.1, NM_001385290.1); c.1976C>A, p.Ala659Asp (NM_001385285.1); c.1964C>A, p.Ala655Asp (NM_001385286.1, NM_001093772.2); c.1967C>A, p.Ala656Asp (NM_001385288.1, NM_001385292.1); short protein forms A660D, A655D, A659D, A656D.
Identifiers: ClinVar variation 4714883 (VCV004714883.1).